The following is an entry in ClinVar:

NM_001735.3(C5):c.95G>A (p.Arg32His)

Gene: C5 (complement C5; minus strand). Cytogenetic location: 9q33.2.
Variant type: single nucleotide variant.
Coding change: c.95G>A on transcript NM_001735.3 (MANE Select); coding-DNA position 95, G replaced by A.
Protein change: p.Arg32His; replaces arginine 32 with histidine.
Molecular consequence: missense variant.
Genome position (GRCh38, 1-based): chr9:121,046,354, C>T on the plus strand (G>A on the coding strand, the complement: C5 is on the minus strand). VCF-style: chr9-121046354-C-T. GRCh37 (hg19) VCF-style: chr9-123808632-C-T.
Other names: c.113G>A, p.Arg38His (NM_001317163.2); c.95G>A, p.Arg32His (NM_001317164.2); short protein forms R32H, R38H.
Identifiers: ClinVar variation 1033861 (VCV001033861.9), dbSNP rs144876205, ClinGen allele CA5218464.

ClinVar aggregate classification (germline): Conflicting classifications of pathogenicity. Review status: criteria provided, conflicting classifications (1 of 4 stars). 4 submissions from 4 submitters: Uncertain significance (3); Likely benign (1). Last evaluated 2024-10-21.

Conditions:
Complement component 5 deficiency. Also called: C5 DEFICIENCY. Identifiers: MedGen C0343047, MONDO:0012295, OMIM 609536.
Eculizumab, poor response to. Identifiers: MedGen C3810402, OMIM 615749.

Allele frequency attached by ClinVar (database versions not stated): ExAC 0.00003; gnomAD 0.00005 and 0.00006; TOPMed 0.00005; gnomAD exomes 0.00007; ESP Exome Variant Server 0.00008.
gnomAD v4.1: 110 of 1,612,134 alleles (0.0068%); highest among the groups gnomAD compares: Middle Eastern, 0.033%; no homozygotes.

Submissions (4):

Labcorp Genetics (formerly Invitae), Labcorp
Classification: Uncertain significance. Last evaluated: 2024-10-21. Review status: criteria provided, single submitter. Criteria: Invitae Variant Classification Sherloc (09022015). Collection method: clinical testing. Allele origin: germline.
Comment: This sequence change replaces arginine, which is basic and polar, with histidine, which is basic and polar, at codon 32 of the C5 protein (p.Arg32His). This variant is present in population databases (rs144876205, gnomAD 0.02%). This variant has not been reported in the literature in individuals affected with C5-related conditions. ClinVar contains an entry for this variant (Variation ID: 1033861). Invitae Evidence Modeling of protein sequence and biophysical properties (such as structural, functional, and spatial information, amino acid conservation, physicochemical variation, residue mobility, and thermodynamic stability) indicates that this missense variant is not expected to disrupt C5 protein function with a negative predictive value of 80%. In summary, the available evidence is currently insufficient to determine the role of this variant in disease. Therefore, it has been classified as a Variant of Uncertain Significance.

Blueprint Genetics
Classification: Likely benign. Last evaluated: 2024-10-08. Review status: criteria provided, single submitter. Criteria: ACMG Guidelines, 2015. Collection method: clinical testing. Allele origin: germline.

Fulgent Genetics
Classification: Uncertain significance for Complement component 5 deficiency; Eculizumab, poor response to. Last evaluated: 2024-05-21. Review status: criteria provided, single submitter. Criteria: ACMG Guidelines, 2015. Collection method: clinical testing. Allele origin: germline.

Baylor Genetics
Classification: Uncertain significance for Complement component 5 deficiency. Last evaluated: 2018-07-25. Review status: criteria provided, single submitter. Criteria: ACMG Guidelines, 2015. Collection method: clinical testing. Allele origin: maternal. Affected: yes.
Comment: This variant was determined to be of uncertain significance according to ACMG Guidelines, 2015 [PMID:25741868].